The following is an entry in ClinVar:

NM_018706.7(DHTKD1):c.1911_1912delinsCA (p.Leu638Met)

Gene: DHTKD1 (dehydrogenase E1 and transketolase domain containing 1; plus strand). Cytogenetic location: 10p14.
Variant type: Indel.
Coding change: c.1911_1912delinsCA on transcript NM_018706.7 (MANE Select); coding-DNA positions 1911 to 1912, AC replaced by CA.
Protein change: p.Leu638Met; replaces leucine 638 with methionine.
Molecular consequence: missense variant.
Genome position (GRCh38, 1-based): chr10:12,106,260-12,106,261, AC replaced by CA. VCF-style: chr10-12106260-AC-CA. GRCh37 (hg19) VCF-style: chr10-12148259-AC-CA.
Other names: short protein forms L638M.
Identifiers: ClinVar variation 2013963 (VCV002013963.4), dbSNP rs2491503439, ClinGen allele CA2580081318.

ClinVar aggregate classification (germline): Uncertain significance (1 of 4 stars; one submission).

Conditions:
2-aminoadipic 2-oxoadipic aciduria (AAKAD). Also called: Aminoadipic aciduria; ALPHA-AMINOADIPIC AND ALPHA-KETOADIPIC ACIDURIA. Identifiers: Orphanet 79154, MedGen C1859817, MONDO:0008774, OMIM 204750.

Submission:

Labcorp Genetics (formerly Invitae), Labcorp
Classification: Uncertain significance for 2-aminoadipic 2-oxoadipic aciduria. Last evaluated: 2022-07-04. Review status: criteria provided, single submitter. Criteria: Invitae Variant Classification Sherloc (09022015). Collection method: clinical testing. Allele origin: germline.
Comment: This sequence change replaces leucine, which is neutral and non-polar, with methionine, which is neutral and non-polar, at codon 638 of the DHTKD1 protein (p.Leu638Met). In summary, the available evidence is currently insufficient to determine the role of this variant in disease. Therefore, it has been classified as a Variant of Uncertain Significance. Experimental studies and prediction algorithms are not available or were not evaluated, and the functional significance of this variant is currently unknown. This variant has not been reported in the literature in individuals affected with DHTKD1-related conditions. Information on the frequency of this variant in the gnomAD database is not available, as this variant may be reported differently in the database.